The following is an entry in ClinVar:

NM_000488.4(SERPINC1):c.872G>A (p.Arg291His)

Gene: SERPINC1 (serpin family C member 1; minus strand). Cytogenetic location: 1q25.1.
Variant type: single nucleotide variant.
Coding change: c.872G>A on transcript NM_000488.4 (MANE Select); coding-DNA position 872, G replaced by A.
Protein change: p.Arg291His; replaces arginine 291 with histidine.
Molecular consequence: missense variant.
Genome position (GRCh38, 1-based): chr1:173,909,833, C>T on the plus strand (G>A on the coding strand, the complement: SERPINC1 is on the minus strand). VCF-style: chr1-173909833-C-T. GRCh37 (hg19) VCF-style: chr1-173878971-C-T.
Other names: c.728G>A, p.Arg243His (NM_001365052.2); c.995G>A, p.Arg332His (NM_001386302.1); c.953G>A, p.Arg318His (NM_001386303.1); c.851G>A, p.Arg284His (NM_001386304.1); c.815G>A, p.Arg272His (NM_001386305.1); c.656G>A, p.Arg219His (NM_001386306.1); c.872G>A (NM_000488.3); short protein forms R243H, R272H, R318H, R284H, R291H, R219H, R332H.
Identifiers: ClinVar variation 1399490 (VCV001399490.9), dbSNP rs377588972, ClinGen allele CA1251323.

ClinVar aggregate classification (germline): Uncertain significance. Review status: criteria provided, multiple submitters, no conflicts (2 of 4 stars). 3 submissions from 3 submitters: Uncertain significance (3). Last evaluated 2024-11-21.

Conditions:
Hereditary antithrombin deficiency (AT3D). Also called: Antithrombin III deficiency; Antithrombin deficiency; Reduced antithrombin III activity; Thrombophilia due to antithrombin III deficiency. Identifiers: Orphanet 82, MedGen C0272375, MONDO:0013144, OMIM 613118, HP:0001976.
SERPINC1-related disorder. Also called: SERPINC1-related condition.

Allele frequency attached by ClinVar (database versions not stated): gnomAD exomes 0.00003 and 0.00004; ExAC 0.00004; gnomAD 0.00004; TOPMed 0.00004; ESP Exome Variant Server 0.00008.
gnomAD v4.1: 54 of 1,613,920 alleles (0.0033%); highest among the groups gnomAD compares: Admixed American, 0.018%; no homozygotes.

Submissions (3):

PreventionGenetics, part of Exact Sciences
Classification: Uncertain significance for SERPINC1-related condition. Last evaluated: 2024-11-21. Review status: criteria provided, single submitter. Criteria: ACMG Guidelines, 2015. Collection method: clinical testing. Allele origin: germline.
Comment: The SERPINC1 c.872G>A variant is predicted to result in the amino acid substitution p.Arg291His. This variant has been reported in an individual with COVID‐19 and thrombophilia; however, the individual was also heterozygous for the FV Leiden polymorphism (de la Morena-Barrio et al. 2021. PubMed ID: 33738814). This variant is reported in 0.020% of alleles in individuals of Latino descent in gnomAD. At this time, the clinical significance of this variant is uncertain due to the absence of conclusive functional and genetic evidence.

Blueprint Genetics
Classification: Uncertain significance. Last evaluated: 2024-09-18. Review status: criteria provided, single submitter. Criteria: ACMG Guidelines, 2015. Collection method: clinical testing. Allele origin: germline.

Labcorp Genetics (formerly Invitae), Labcorp
Classification: Uncertain significance for Hereditary antithrombin deficiency. Last evaluated: 2024-06-24. Review status: criteria provided, single submitter. Criteria: Invitae Variant Classification Sherloc (09022015). Collection method: clinical testing. Allele origin: germline.
Comment: This sequence change replaces arginine, which is basic and polar, with histidine, which is basic and polar, at codon 291 of the SERPINC1 protein (p.Arg291His). This variant is present in population databases (rs377588972, gnomAD 0.02%). This variant has not been reported in the literature in individuals affected with SERPINC1-related conditions. ClinVar contains an entry for this variant (Variation ID: 1399490). Advanced modeling of protein sequence and biophysical properties (such as structural, functional, and spatial information, amino acid conservation, physicochemical variation, residue mobility, and thermodynamic stability) performed at Invitae indicates that this missense variant is not expected to disrupt SERPINC1 protein function with a negative predictive value of 80%. In summary, the available evidence is currently insufficient to determine the role of this variant in disease. Therefore, it has been classified as a Variant of Uncertain Significance.